The following is an entry in ClinVar:

NM_000548.5(TSC2):c.4960G>T (p.Gly1654Cys)

Gene: TSC2 (TSC complex subunit 2; plus strand). Cytogenetic location: 16p13.3.
Variant type: single nucleotide variant.
Coding change: c.4960G>T on transcript NM_000548.5 (MANE Select); coding-DNA position 4960, G replaced by T.
Protein change: p.Gly1654Cys; replaces glycine 1654 with cysteine.
Molecular consequence: missense variant.
Genome position (GRCh38, 1-based): chr16:2,086,842, G>T. VCF-style: chr16-2086842-G-T. GRCh37 (hg19) VCF-style: chr16-2136843-G-T.
Other names: c.4759G>T, p.Gly1587Cys (NM_001077183.3); c.4891G>T, p.Gly1631Cys (NM_001114382.3); c.4651G>T, p.Gly1551Cys (NM_001318827.2); c.4615G>T, p.Gly1539Cys (NM_001318829.2); c.4228G>T, p.Gly1410Cys (NM_001318831.2); c.4792G>T, p.Gly1598Cys (NM_001318832.2); c.4762G>T, p.Gly1588Cys (NM_001363528.2); c.4828G>T, p.Gly1610Cys (NM_001370404.1); and 1 more; short protein forms G1539C, G1610C, G1654C, G1410C, G1611C, G1551C, G1587C, G1631C.
Identifiers: ClinVar variation 940547 (VCV000940547.13), dbSNP rs771911660, ClinGen allele CA394308945.

ClinVar aggregate classification (germline): Uncertain significance. Review status: criteria provided, multiple submitters, no conflicts (2 of 4 stars). 2 submissions from 2 submitters: Uncertain significance (2). Last evaluated 2025-04-05.

Conditions:
Tuberous sclerosis 2 (TSC2). Identifiers: Orphanet 805, MedGen C1860707, MONDO:0013199, OMIM 613254.
Hereditary cancer-predisposing syndrome. Also called: Tumor predisposition; Hereditary neoplastic syndrome; Neoplastic Syndromes, Hereditary; Hereditary Cancer Syndrome. Identifiers: Orphanet 140162, MedGen C0027672, MeSH D009386, MONDO:0015356.

Allele frequency attached by ClinVar (database versions not stated): TOPMed 0.00002.
gnomAD v4.1: 13 of 1,603,256 alleles (0.00081%); highest among the groups gnomAD compares: Non-Finnish European, 0.0011%; no homozygotes.

Submissions (2):

Ambry Genetics
Classification: Uncertain significance for Hereditary cancer-predisposing syndrome. Last evaluated: 2025-04-05. Review status: criteria provided, single submitter. Criteria: Ambry Variant Classification Scheme 2023. Collection method: clinical testing. Allele origin: germline.
Comment: The p.G1654C variant (also known as c.4960G>T), located in coding exon 37 of the TSC2 gene, results from a G to T substitution at nucleotide position 4960. The glycine at codon 1654 is replaced by cysteine, an amino acid with highly dissimilar properties. This amino acid position is conserved. In addition, this alteration is predicted to be deleterious by in silico analysis. Since supporting evidence is limited at this time, the clinical significance of this alteration remains unclear.

Labcorp Genetics (formerly Invitae), Labcorp
Classification: Uncertain significance for Tuberous sclerosis 2. Last evaluated: 2024-09-19. Review status: criteria provided, single submitter. Criteria: Invitae Variant Classification Sherloc (09022015). Collection method: clinical testing. Allele origin: germline.
Comment: This sequence change replaces glycine, which is neutral and non-polar, with cysteine, which is neutral and slightly polar, at codon 1654 of the TSC2 protein (p.Gly1654Cys). This variant is not present in population databases (gnomAD no frequency). This variant has not been reported in the literature in individuals affected with TSC2-related conditions. ClinVar contains an entry for this variant (Variation ID: 940547). Invitae Evidence Modeling of protein sequence and biophysical properties (such as structural, functional, and spatial information, amino acid conservation, physicochemical variation, residue mobility, and thermodynamic stability) has been performed for this missense variant. However, the output from this modeling did not meet the statistical confidence thresholds required to predict the impact of this variant on TSC2 protein function. In summary, the available evidence is currently insufficient to determine the role of this variant in disease. Therefore, it has been classified as a Variant of Uncertain Significance.